The following is an entry in ClinVar:

NM_001267550.2(TTN):c.82001_82002del (p.Leu27334fs)

Genes: TTN (titin; minus strand), TTN-AS1 (TTN antisense RNA 1; plus strand). Cytogenetic location: 2q31.2.
Variant type: Deletion.
Coding change: c.82001_82002del on transcript NM_001267550.2 (MANE Select); coding-DNA positions 82001 to 82002, 2 bases deleted (TT; older notation c.82001_82002delTT).
Protein change: p.Leu27334fs; shifts the reading frame from leucine 27334.
Molecular consequence: frameshift variant.
Genome position (GRCh38, 1-based): chr2:178,564,130-178,564,131, AA deleted on the plus strand (TT on the coding strand, the reverse complement: TTN is on the minus strand). VCF-style (leftmost placement, unchanged base first): chr2-178564129-CAA-C. GRCh37 (hg19) VCF-style: chr2-179428856-CAA-C.
Other names: c.77078_77079del, p.Leu25693fs (NM_001256850.1); c.54806_54807del, p.Leu18269fs (NM_003319.4); c.74297_74298del, p.Leu24766fs (NM_133378.4); c.55181_55182del, p.Leu18394fs (NM_133432.3); c.55382_55383del, p.Leu18461fs (NM_133437.4); short protein forms L27334fs, L18269fs, L18461fs, L18394fs, L24766fs, L25693fs.
Identifiers: ClinVar variation 944757 (VCV000944757.10), dbSNP rs1704746759, ClinGen allele CA1139657400.

ClinVar aggregate classification (germline): Likely pathogenic (1 of 4 stars; one submission).

Conditions:
Dilated cardiomyopathy 1G (CMD1G). Identifiers: Orphanet 154, MedGen C1858763, MONDO:0011400, OMIM 604145.
Autosomal recessive limb-girdle muscular dystrophy type 2J (LGMDR10). Also called: MUSCULAR DYSTROPHY, LIMB-GIRDLE, AUTOSOMAL RECESSIVE 10; Limb-girdle muscular dystrophy, type 2J. Identifiers: Orphanet 140922, MedGen C1837342, MONDO:0012127, OMIM 608807.

Submission:

Labcorp Genetics (formerly Invitae), Labcorp
Classification: Likely pathogenic for Dilated cardiomyopathy 1G; Autosomal recessive limb-girdle muscular dystrophy type 2J. Last evaluated: 2024-01-21. Review status: criteria provided, single submitter. Criteria: Invitae Variant Classification Sherloc (09022015). Collection method: clinical testing. Allele origin: germline.
Comment: This sequence change creates a premature translational stop signal (p.Leu27334Argfs*9) in the TTN gene. While this is not anticipated to result in nonsense mediated decay, it is expected to create a truncated TTN protein. This variant is not present in population databases (gnomAD no frequency). This variant has not been reported in the literature in individuals affected with TTN-related conditions. ClinVar contains an entry for this variant (Variation ID: 944757). This variant is located in the A band of TTN (PMID: 25589632). Truncating variants in this region are significantly overrepresented in patients affected with dilated cardiomyopathy (PMID: 25589632). Truncating variants in this region have also been reported in individuals affected with autosomal recessive centronuclear myopathy (PMID: 23975875). In summary, the currently available evidence indicates that the variant is pathogenic, but additional data are needed to prove that conclusively. Therefore, this variant has been classified as Likely Pathogenic.

Literature cited by the submitters: PubMed 25589632; PubMed 23975875.